The following is an entry in ClinVar:

NM_002474.3(MYH11):c.2059-12T>G

Gene: MYH11 (myosin heavy chain 11; minus strand). Cytogenetic location: 16p13.11.
Variant type: single nucleotide variant.
Coding change: c.2059-12T>G on transcript NM_002474.3 (MANE Select); 12 bases into the intron before coding-DNA position 2059, T replaced by G.
Molecular consequence: intron variant.
Genome position (GRCh38, 1-based): chr16:15,748,180, A>C on the plus strand (T>G on the coding strand, the complement: MYH11 is on the minus strand). VCF-style: chr16-15748180-A-C. GRCh37 (hg19) VCF-style: chr16-15842037-A-C.
Other names: c.2059-12T>G (NM_022844.3); c.2080-12T>G (NM_001040114.2, NM_001040113.2).
Identifiers: ClinVar variation 2769672 (VCV002769672.3), dbSNP rs2506275431, ClinGen allele CA2697555664.

ClinVar aggregate classification (germline): Uncertain significance (1 of 4 stars; one submission).

Conditions:
Aortic aneurysm, familial thoracic 4 (AAT4). Also called: AORTIC ANEURYSM/AORTIC DISSECTION AND PATENT DUCTUS ARTERIOSUS. Identifiers: MedGen C1851504, MONDO:0007568, OMIM 132900.

Submission:

Labcorp Genetics (formerly Invitae), Labcorp
Classification: Uncertain significance for Aortic aneurysm, familial thoracic 4. Last evaluated: 2023-10-17. Review status: criteria provided, single submitter. Criteria: Invitae Variant Classification Sherloc (09022015). Collection method: clinical testing. Allele origin: germline.
Comment: This sequence change falls in intron 17 of the MYH11 gene. It does not directly change the encoded amino acid sequence of the MYH11 protein. This variant is not present in population databases (gnomAD no frequency). This variant has not been reported in the literature in individuals affected with MYH11-related conditions. Algorithms developed to predict the effect of sequence changes on RNA splicing suggest that this variant may create or strengthen a splice site. In summary, the available evidence is currently insufficient to determine the role of this variant in disease. Therefore, it has been classified as a Variant of Uncertain Significance.